The following is an entry in ClinVar:

ClinVar aggregate classification (germline): Likely benign. Review status: criteria provided, single submitter (1 of 4 stars). 2 submissions from 2 submitters: Likely benign (1). 1 of the submissions does not count toward it. Last evaluated 2024-11-14.

Conditions:
PHIP-related disorder. Also called: PHIP-related disorders; PHIP-related condition.

Allele frequency attached by ClinVar (database versions not stated): ExAC 0.00002; gnomAD exomes 0.00003; gnomAD 0.00004; TOPMed 0.00004; ESP Exome Variant Server 0.00015.
gnomAD v4.1: 56 of 1,613,864 alleles (0.0035%); highest among the groups gnomAD compares: African/African-American, 0.008%; no homozygotes.

Submissions (2):

Labcorp Genetics (formerly Invitae), Labcorp
Classification: Likely benign. Last evaluated: 2024-11-14. Review status: criteria provided, single submitter. Criteria: Invitae Variant Classification Sherloc (09022015). Collection method: clinical testing. Allele origin: germline.

PreventionGenetics, part of Exact Sciences
Classification: Likely benign for PHIP-related condition. Last evaluated: 2021-09-08. Review status: no assertion criteria provided. Collection method: clinical testing. Allele origin: germline. Not counted in ClinVar's aggregate classification.
Comment: This variant is classified as likely benign based on ACMG/AMP sequence variant interpretation guidelines (Richards et al. 2015 PMID: 25741868, with internal and published modifications).

NM_017934.7(PHIP):c.696T>C (p.Ala232=)

Gene: PHIP (PHIP subunit of CUL4-Ring ligase complex; minus strand). Cytogenetic location: 6q14.1.
Variant type: single nucleotide variant.
Coding change: c.696T>C on transcript NM_017934.7 (MANE Select); coding-DNA position 696, T replaced by C.
Protein change: p.Ala232=; no amino-acid change (alanine 232 retained).
Molecular consequence: synonymous variant.
Genome position (GRCh38, 1-based): chr6:79,026,069, A>G on the plus strand (T>C on the coding strand, the complement: PHIP is on the minus strand). VCF-style: chr6-79026069-A-G. GRCh37 (hg19) VCF-style: chr6-79735786-A-G.
Identifiers: ClinVar variation 3058005 (VCV003058005.4), dbSNP rs371903165, ClinGen allele CA3900324.